The following is an entry in ClinVar:

ClinVar aggregate classification (germline): Uncertain significance (1 of 4 stars; one submission).

gnomAD v4.1: 1 of 1,614,174 alleles (0.000062%); highest among the groups gnomAD compares: Admixed American, 0.0017%; no homozygotes.

Submission:

Labcorp Genetics (formerly Invitae), Labcorp
Classification: Uncertain significance. Last evaluated: 2025-12-22. Review status: criteria provided, single submitter. Criteria: Invitae Variant Classification Sherloc (09022015). Collection method: clinical testing. Allele origin: germline.
Comment: This sequence change replaces threonine, which is neutral and polar, with asparagine, which is neutral and polar, at codon 240 of the TGFB1 protein (p.Thr240Asn). This variant is present in population databases (no rsID available, gnomAD 0.003%). This variant has not been reported in the literature in individuals affected with TGFB1-related conditions. Invitae Evidence Modeling of protein sequence and biophysical properties (such as structural, functional, and spatial information, amino acid conservation, physicochemical variation, residue mobility, and thermodynamic stability) indicates that this missense variant is not expected to disrupt TGFB1 protein function with a negative predictive value of 80%. In summary, the available evidence is currently insufficient to determine the role of this variant in disease. Therefore, it has been classified as a Variant of Uncertain Significance.

NM_000660.7(TGFB1):c.719C>A (p.Thr240Asn)

Gene: TGFB1 (transforming growth factor beta 1; minus strand). Cytogenetic location: 19q13.2.
Variant type: single nucleotide variant.
Coding change: c.719C>A on transcript NM_000660.7 (MANE Select); coding-DNA position 719, C replaced by A.
Protein change: p.Thr240Asn; replaces threonine 240 with asparagine.
Molecular consequence: missense variant.
Genome position (GRCh38, 1-based): chr19:41,342,024, G>T on the plus strand (C>A on the coding strand, the complement: TGFB1 is on the minus strand). VCF-style: chr19-41342024-G-T. GRCh37 (hg19) VCF-style: chr19-41847929-G-T.
Other names: short protein forms T240N.
Identifiers: ClinVar variation 4810357 (VCV004810357.1).